The following is an entry in ClinVar:

ClinVar aggregate classification (germline): Uncertain significance (1 of 4 stars; one submission).

Conditions:
Charcot-Marie-Tooth disease axonal type 2C (HMSN2C). Also called: CHARCOT-MARIE-TOOTH DISEASE, AXONAL, AUTOSOMAL DOMINANT, TYPE 2C; Charcot-Marie-Tooth Neuropathy Type 2C; Charcot-Marie-Tooth Disease Type 2, TRPV4-Related (CMT2C). Identifiers: Orphanet 99937, MedGen C1853710, MONDO:0011633, OMIM 606071.

Allele frequency attached by ClinVar (database versions not stated): TOPMed below 0.00001; gnomAD 0.00001.
gnomAD v4.1: 3 of 1,614,120 alleles (0.00019%); highest among the groups gnomAD compares: East Asian, 0.0022%; no homozygotes.

Submission:

Labcorp Genetics (formerly Invitae), Labcorp
Classification: Uncertain significance for Charcot-Marie-Tooth disease axonal type 2C. Last evaluated: 2022-07-19. Review status: criteria provided, single submitter. Criteria: Invitae Variant Classification Sherloc (09022015). Collection method: clinical testing. Allele origin: germline.
Comment: In summary, the available evidence is currently insufficient to determine the role of this variant in disease. Therefore, it has been classified as a Variant of Uncertain Significance. Advanced modeling of protein sequence and biophysical properties (such as structural, functional, and spatial information, amino acid conservation, physicochemical variation, residue mobility, and thermodynamic stability) performed at Invitae indicates that this missense variant is expected to disrupt TRPV4 protein function. ClinVar contains an entry for this variant (Variation ID: 1374495). This variant has not been reported in the literature in individuals affected with TRPV4-related conditions. This variant is present in population databases (no rsID available, gnomAD 0.06%). This sequence change replaces glycine, which is neutral and non-polar, with serine, which is neutral and polar, at codon 679 of the TRPV4 protein (p.Gly679Ser).

NM_021625.5(TRPV4):c.2035G>A (p.Gly679Ser)

Gene: TRPV4 (transient receptor potential cation channel subfamily V member 4; minus strand). Cytogenetic location: 12q24.11.
Variant type: single nucleotide variant.
Coding change: c.2035G>A on transcript NM_021625.5 (MANE Select); coding-DNA position 2035, G replaced by A.
Protein change: p.Gly679Ser; replaces glycine 679 with serine.
Molecular consequence: missense variant.
Genome position (GRCh38, 1-based): chr12:109,788,573, C>T on the plus strand (G>A on the coding strand, the complement: TRPV4 is on the minus strand). VCF-style: chr12-109788573-C-T. GRCh37 (hg19) VCF-style: chr12-110226378-C-T.
Other names: c.1894G>A, p.Gly632Ser (NM_001177428.2); c.1933G>A, p.Gly645Ser (NM_001177431.2); c.1714G>A, p.Gly572Ser (NM_001177433.2); c.1855G>A, p.Gly619Ser (NM_147204.3); short protein forms G619S, G572S, G679S, G632S, G645S.
Identifiers: ClinVar variation 1374495 (VCV001374495.6), dbSNP rs1413159026, ClinGen allele CA386650527.
Genomic context (GRCh38, chr12:109,788,573, plus strand): 5'-GCAGGATGATGAAGACCACGGGGTACTTGGTGCTGCTCAGCATCTCCAGGTCGCCCATGC[C>T]GATGGTCAGCTTAAACAGGTCCAGGAGGAAGGTGCTGAAGGTCTCGCTGTCACGGCACGA-3'
Protein context (NP_067638.3, residues 669-689): FLLDLFKLTI[Gly679Ser]MGDLEMLSST